The following is an entry in ClinVar:

NM_001369.3(DNAH5):c.438+5G>C

Gene: DNAH5 (dynein axonemal heavy chain 5; minus strand). Cytogenetic location: 5p15.2.
Variant type: single nucleotide variant.
Coding change: c.438+5G>C on transcript NM_001369.3 (MANE Select); 5 bases into the intron after coding-DNA position 438, G replaced by C.
Molecular consequence: intron variant.
Genome position (GRCh38, 1-based): chr5:13,923,275, C>G on the plus strand (G>C on the coding strand, the complement: DNAH5 is on the minus strand). VCF-style: chr5-13923275-C-G. GRCh37 (hg19) VCF-style: chr5-13923384-C-G.
Identifiers: ClinVar variation 650759 (VCV000650759.7), dbSNP rs776343117, ClinGen allele CA3205190.

ClinVar aggregate classification (germline): Uncertain significance. Review status: criteria provided, multiple submitters, no conflicts (2 of 4 stars). 3 submissions from 3 submitters: Uncertain significance (2). 1 of the submissions does not count toward it. Last evaluated 2026-05-20.

Conditions:
Primary ciliary dyskinesia 3. Identifiers: Orphanet 244, MedGen C1837618, MONDO:0012085, OMIM 608644.
Primary ciliary dyskinesia. Also called: Ciliary dyskinesia. Identifiers: Orphanet 244, MedGen C0008780, MONDO:0016575, HP:0012265.

Allele frequency attached by ClinVar (database versions not stated): ExAC 0.00001; TOPMed 0.00001.
gnomAD v4.1: 2 of 1,614,008 alleles (0.00012%); highest among the groups gnomAD compares: Admixed American, 0.0033%; no homozygotes.

Submissions (3):

Myriad Genetics, Inc.
Classification: Uncertain significance for Primary ciliary dyskinesia 3. Last evaluated: 2026-05-20. Review status: criteria provided, single submitter. Criteria: Myriad Autosomal Dominant, Autosomal Recessive and X-Linked Classification Criteria (2023). Collection method: clinical testing. Allele origin: unknown.
Comment: NM_001369.2(DNAH5):c.438+5G>C is an intronic variant classified as a variant of uncertain significance in the context of primary ciliary dyskinesia, DNAH5-related. c.438+5G>C has not been observed in cases with relevant disease. Relevant functional assessments of this variant are not available in the literature. c.438+5G>C has been observed in referenced population frequency databases. In summary, there is insufficient evidence to classify NM_001369.2(DNAH5):c.438+5G>C as pathogenic or benign. Please note: this variant was assessed in the context of healthy population screening.

Labcorp Genetics (formerly Invitae), Labcorp
Classification: Uncertain significance for Primary ciliary dyskinesia. Last evaluated: 2022-07-05. Review status: criteria provided, single submitter. Criteria: Invitae Variant Classification Sherloc (09022015). Collection method: clinical testing. Allele origin: germline.
Comment: This sequence change falls in intron 4 of the DNAH5 gene. It does not directly change the encoded amino acid sequence of the DNAH5 protein. It affects a nucleotide within the consensus splice site. This variant is present in population databases (rs776343117, gnomAD 0.006%). This variant has not been reported in the literature in individuals affected with DNAH5-related conditions. ClinVar contains an entry for this variant (Variation ID: 650759). Variants that disrupt the consensus splice site are a relatively common cause of aberrant splicing (PMID: 17576681, 9536098). Algorithms developed to predict the effect of sequence changes on RNA splicing suggest that this variant is not likely to affect RNA splicing. In summary, the available evidence is currently insufficient to determine the role of this variant in disease. Therefore, it has been classified as a Variant of Uncertain Significance.

Natera, Inc.
Classification: Uncertain significance for Primary ciliary dyskinesia. Last evaluated: 2020-03-10. Review status: no assertion criteria provided. Collection method: clinical testing. Allele origin: germline. Not counted in ClinVar's aggregate classification.

Literature cited by the submitters: PubMed 17576681 (cited by Labcorp Genetics (formerly Invitae), Labcorp); PubMed 9536098 (cited by Labcorp Genetics (formerly Invitae), Labcorp).